The following is an entry in ClinVar:

ClinVar aggregate classification (germline): Uncertain significance. Review status: criteria provided, multiple submitters, no conflicts (2 of 4 stars). 2 submissions from 2 submitters: Uncertain significance (2). Last evaluated 2023-12-18.

Conditions:
DPM3-congenital disorder of glycosylation (MDDGC15). Also called: DPM3-CDG; CDG Io; CDG1(DPM3); MUSCULAR DYSTROPHY-DYSTROGLYCANOPATHY (LIMB-GIRDLE), TYPE C, 15. Identifiers: Orphanet 263494, MedGen C2752007, MONDO:0013049, OMIM 612937.

Allele frequency attached by ClinVar (database versions not stated): TOPMed below 0.00001; gnomAD 0.00001 and 0.00002; ExAC 0.00002; gnomAD exomes 0.00002.

Submissions (2):

Revvity Omics, Revvity
Classification: Uncertain significance. Last evaluated: 2023-12-18. Review status: criteria provided, single submitter. Criteria: ACMG Guidelines, 2015. Collection method: clinical testing. Allele origin: germline.

Labcorp Genetics (formerly Invitae), Labcorp
Classification: Uncertain significance for DPM3-congenital disorder of glycosylation. Last evaluated: 2020-01-19. Review status: criteria provided, single submitter. Criteria: Invitae Variant Classification Sherloc (09022015). Collection method: clinical testing. Allele origin: germline.
Comment: In summary, the available evidence is currently insufficient to determine the role of this variant in disease. Therefore, it has been classified as a Variant of Uncertain Significance. Algorithms developed to predict the effect of missense changes on protein structure and function (SIFT, PolyPhen-2, Align-GVGD) all suggest that this variant is likely to be disruptive, but these predictions have not been confirmed by published functional studies and their clinical significance is uncertain. This variant has not been reported in the literature in individuals with DPM3-related conditions. This variant is present in population databases (rs776662775, ExAC 0.01%). This sequence change replaces alanine with threonine at codon 70 of the DPM3 protein (p.Ala70Thr). The alanine residue is highly conserved and there is a small physicochemical difference between alanine and threonine.

NM_153741.2(DPM3):c.208G>A (p.Ala70Thr)

Gene: DPM3 (dolichyl-phosphate mannosyltransferase subunit 3, regulatory; minus strand). Cytogenetic location: 1q22.
Variant type: single nucleotide variant.
Coding change: c.208G>A on transcript NM_153741.2 (MANE Select); coding-DNA position 208, G replaced by A.
Protein change: p.Ala70Thr; replaces alanine 70 with threonine.
Molecular consequence: missense variant.
Genome position (GRCh38, 1-based): chr1:155,140,033, C>T on the plus strand (G>A on the coding strand, the complement: DPM3 is on the minus strand). VCF-style: chr1-155140033-C-T. GRCh37 (hg19) VCF-style: chr1-155112509-C-T.
Other names: c.298G>A, p.Ala100Thr (NM_018973.4); short protein forms A100T, A70T.
Identifiers: ClinVar variation 956521 (VCV000956521.11), dbSNP rs776662775, ClinGen allele CA1138411.